The following is an entry in ClinVar:

NM_000051.4(ATM):c.3658G>A (p.Glu1220Lys)

Gene: ATM (ATM serine/threonine kinase; plus strand). Cytogenetic location: 11q22.3.
Variant type: single nucleotide variant.
Coding change: c.3658G>A on transcript NM_000051.4 (MANE Select); coding-DNA position 3658, G replaced by A.
Protein change: p.Glu1220Lys; replaces glutamic acid 1220 with lysine.
Molecular consequence: missense variant.
Genome position (GRCh38, 1-based): chr11:108,282,791, G>A. VCF-style: chr11-108282791-G-A. GRCh37 (hg19) VCF-style: chr11-108153518-G-A.
Other names: c.3658G>A, p.Glu1220Lys (NM_001351834.2); short protein forms E1220K.
Identifiers: ClinVar variation 923758 (VCV000923758.12), dbSNP rs1565444811, ClinGen allele CA382523024.

ClinVar aggregate classification (germline): Uncertain significance. Review status: criteria provided, multiple submitters, no conflicts (2 of 4 stars). 3 submissions from 3 submitters: Uncertain significance (3). Last evaluated 2024-04-10.

Conditions:
Hereditary cancer-predisposing syndrome. Also called: Hereditary Cancer Syndrome; Hereditary neoplastic syndrome; Neoplastic Syndromes, Hereditary; Tumor predisposition. Identifiers: Orphanet 140162, MedGen C0027672, MeSH D009386, MONDO:0015356.
Ataxia-telangiectasia syndrome (AT). Also called: Ataxia-telangiectasia, complementation group E; LOUIS-BAR SYNDROME; Cerebello-oculocutaneous telangiectasia; Immunodeficiency with ataxia telangiectasia; Ataxia-telangiectasia, complementation group D; AT, COMPLEMENTATION GROUP C. Identifiers: Orphanet 100, MedGen C0004135, MONDO:0008840, OMIM 208900.

Submissions (3):

Labcorp Genetics (formerly Invitae), Labcorp
Classification: Uncertain significance for Ataxia-telangiectasia syndrome. Last evaluated: 2024-04-10. Review status: criteria provided, single submitter. Criteria: Invitae Variant Classification Sherloc (09022015). Collection method: clinical testing. Allele origin: germline.
Comment: This sequence change replaces glutamic acid, which is acidic and polar, with lysine, which is basic and polar, at codon 1220 of the ATM protein (p.Glu1220Lys). This variant is not present in population databases (gnomAD no frequency). This missense change has been observed in individual(s) with breast cancer (PMID: 30287823). ClinVar contains an entry for this variant (Variation ID: 923758). An algorithm developed to predict the effect of missense changes on protein structure and function (PolyPhen-2) suggests that this variant is likely to be disruptive. In summary, the available evidence is currently insufficient to determine the role of this variant in disease. Therefore, it has been classified as a Variant of Uncertain Significance.

Ambry Genetics
Classification: Uncertain significance for Hereditary cancer-predisposing syndrome. Last evaluated: 2021-03-29. Review status: criteria provided, single submitter. Criteria: Ambry Variant Classification Scheme 2023. Collection method: clinical testing. Allele origin: germline.
Comment: The p.E1220K variant (also known as c.3658G>A), located in coding exon 24 of the ATM gene, results from a G to A substitution at nucleotide position 3658. The glutamic acid at codon 1220 is replaced by lysine, an amino acid with similar properties. This alteration was observed in with an allele frequency of 0.00014 in 7,051 unselected female breast cancer patients and was not observed in 11,241 female controls of Japanese ancestry (Momozawa Y et al. Nat Commun, 2018 10;9:4083). This amino acid position is highly conserved in available vertebrate species. In addition, this alteration is predicted to be deleterious by in silico analysis. Since supporting evidence is limited at this time, the clinical significance of this alteration remains unclear.

Color Diagnostics, LLC DBA Color Health
Classification: Uncertain significance for Hereditary cancer-predisposing syndrome. Last evaluated: 2020-01-21. Review status: criteria provided, single submitter. Criteria: ACMG Guidelines, 2015. Collection method: clinical testing. Allele origin: germline.
Comment: This missense variant replaces glutamic acid with lysine at codon 1220 of the ATM protein. Computational prediction tool suggests that this variant may not impact protein structure and function (internally defined REVEL score threshold ≤0.5, PMID: 27666373). Splice site prediction tools suggest that this variant may not impact RNA splicing. To our knowledge, functional studies have not been performed for this variant. This variant has not been reported in individuals affected with hereditary cancer in the literature. This variant has not been identified in the general population by the Genome Aggregation Database (gnomAD). The available evidence is insufficient to determine the role of this variant in disease conclusively. Therefore, this variant is classified as a Variant of Uncertain Significance.

Literature cited by the submitters: PubMed 30287823 (cited by Labcorp Genetics (formerly Invitae), Labcorp and Ambry Genetics).